The following is an entry in ClinVar:

NM_000384.3(APOB):c.13603A>G (p.Ile4535Val)

Genes: APOB (apolipoprotein B; minus strand), APOB3'MAR (APOB 3' scaffold/matrix attachment region; plus strand). Cytogenetic location: 2p24.1.
Variant type: single nucleotide variant.
Coding change: c.13603A>G on transcript NM_000384.3 (MANE Select); coding-DNA position 13603, A replaced by G.
Protein change: p.Ile4535Val; replaces isoleucine 4535 with valine.
Molecular consequence: missense variant.
Genome position (GRCh38, 1-based): chr2:21,001,819, T>C on the plus strand (A>G on the coding strand, the complement: APOB is on the minus strand). VCF-style: chr2-21001819-T-C. GRCh37 (hg19) VCF-style: chr2-21224691-T-C.
Other names: short protein forms I4535V.
Identifiers: ClinVar variation 3416477 (VCV003416477.2).

ClinVar aggregate classification (germline): Uncertain significance. Review status: criteria provided, multiple submitters, no conflicts (2 of 4 stars). 2 submissions from 2 submitters: Uncertain significance (2). Last evaluated 2024-12-07.

Conditions:
Cardiovascular phenotype. Identifiers: MedGen CN230736.

Submissions (2):

Ambry Genetics
Classification: Uncertain significance for Cardiovascular phenotype. Last evaluated: 2024-12-07. Review status: criteria provided, single submitter. Criteria: Ambry Variant Classification Scheme 2023. Collection method: clinical testing. Allele origin: germline.
Comment: The p.I4535V variant (also known as c.13603A>G), located in coding exon 29 of the APOB gene, results from an A to G substitution at nucleotide position 13603. The isoleucine at codon 4535 is replaced by valine, an amino acid with highly similar properties. This amino acid position is conserved. In addition, this alteration is predicted to be tolerated by in silico analysis. Based on the available evidence, the clinical significance of this variant remains unclear.

GeneDx
Classification: Uncertain significance. Last evaluated: 2024-10-04. Review status: criteria provided, single submitter. Criteria: GeneDx Variant Classification Process June 2021. Collection method: clinical testing. Allele origin: germline. Affected: yes.
Comment: Also known as I4508V; Not observed at significant frequency in large population cohorts (gnomAD); In silico analysis indicates that this missense variant does not alter protein structure/function; Has not been previously published as pathogenic or benign to our knowledge